The following is an entry in ClinVar:

ClinVar aggregate classification (germline): Pathogenic (1 of 4 stars; one submission).

Conditions:
Lamellar ichthyosis. Identifiers: Orphanet 313, MedGen C5848247, MONDO:0017778.

Submission:

Women's Health and Genetics/Laboratory Corporation of America, LabCorp
Classification: Pathogenic for Lamellar ichthyosis. Last evaluated: 2026-02-16. Review status: criteria provided, single submitter. Criteria: LabCorp Variant Classification Summary - May 2015. Collection method: clinical testing. Allele origin: germline.
Comment: Variant summary: PNPLA1 c.1143delC (p.Ser382AlafsX74) results in a premature termination codon, predicted to cause a truncation of the encoded protein or absence of the protein due to nonsense mediated decay, which are commonly known mechanisms for disease. The variant was absent in 251264 control chromosomes (gnomAD). c.1143delC has been observed in individual(s) affected with Lamellar Ichthyosis (Zimmer_2017). To our knowledge, no experimental evidence demonstrating an impact on protein function has been reported. The following publication have been ascertained in the context of this evaluation (PMID: 28093717). No submitters have cited clinical-significance assessments for this variant to ClinVar. Based on the evidence outlined above, the variant was classified as pathogenic.

Literature cited by the submitters: PubMed 28093717.

NM_001374623.1(PNPLA1):c.1143del (p.Ser382fs)

Gene: PNPLA1 (patatin like domain 1, omega-hydroxyceramide transacylase; plus strand). Cytogenetic location: 6p21.31.
Variant type: Deletion.
Coding change: c.1143del on transcript NM_001374623.1 (MANE Select); coding-DNA position 1143, one base deleted (C; older notation c.1143delC).
Protein change: p.Ser382fs; shifts the reading frame from serine 382.
Molecular consequence: frameshift variant.
Genome position (GRCh38, 1-based): chr6:36,302,228, C deleted; the last of 3 consecutive C bases (chr6:36,302,226-36,302,228); deleting any one gives the same sequence. VCF-style (leftmost placement, unchanged base first): chr6-36302225-AC-A. GRCh37 (hg19) VCF-style: chr6-36270002-AC-A.
Other names: c.885del, p.Ser296fs (NM_001145716.2); c.1143del, p.Ser382fs (NM_001145717.1); c.1143delC (NM_001145717.1); c.858del, p.Ser287fs (NM_173676.2); short protein forms S287fs, S296fs, S382fs.
Identifiers: ClinVar variation 4847788 (VCV004847788.1).
Genomic context (GRCh38, chr6:36,302,225, plus strand): 5'-TTCAACTCCACTTTCTCTAAGTGGCATGCCACCTGTATCATTCCCAGCTGTGCACAAGCC[AC>A]CCAGCTCCACACCTGGTTCATCACTGCCCACCCCACCACCTGGACTGTCACCTCTGTCAC-3'